The following is an entry in ClinVar:

NM_004991.4(MECOM):c.1270AGG[1] (p.Arg425del)

Gene: MECOM (MDS1 and EVI1 complex locus; minus strand). Cytogenetic location: 3q26.2.
Variant type: Microsatellite.
Coding change: c.1270AGG[1] on transcript NM_004991.4 (MANE Select); one copy of the 3-base unit AGG starting at c.1270; the reference has two copies in a row; one copy, 3 bases deleted.
Protein change: p.Arg425del; deletes arginine 425.
Molecular consequence: inframe deletion. On other transcripts: intron variant (2).
Genome position (GRCh38, 1-based): chr3:169,116,597-169,116,599, CCT deleted on the plus strand (AGG on the coding strand, the reverse complement: MECOM is on the minus strand); deleting any 3 consecutive bases within chr3:169,116,597-169,116,602 gives the same sequence; the position shown is the placement nearest the transcript's 3' end. VCF-style (leftmost placement, unchanged base first): chr3-169116596-ACCT-A. GRCh37 (hg19) VCF-style: chr3-168834384-ACCT-A.
Other names: c.901AGG[1], p.Arg302del (NM_001105077.4); c.706AGG[1], p.Arg237del (NM_001105078.4, NM_001164000.2, NM_001205194.2 and 4 more transcripts); c.709AGG[1], p.Arg238del (NM_001163999.2, NM_001366467.2, NM_001366468.2 and 1 more transcripts); c.1270AGG[1], p.Arg425del (NM_001366466.2); c.1133-832_1133-830del (NM_001366473.2); c.569-832_569-830del (NM_001366474.2); short protein forms R237del, R238del, R302del, R425del.
Identifiers: ClinVar variation 3369127 (VCV003369127.1).

ClinVar aggregate classification (germline): Uncertain significance (1 of 4 stars; one submission).

Submission:

GeneDx
Classification: Uncertain significance. Last evaluated: 2024-02-12. Review status: criteria provided, single submitter. Criteria: GeneDx Variant Classification Process June 2021. Collection method: clinical testing. Allele origin: germline. Affected: yes.
Comment: In-frame deletion of 2 amino acids in a non-repeat region; Has not been previously published as pathogenic or benign to our knowledge